The following is an entry in ClinVar:

ClinVar aggregate classification (germline): Uncertain significance (1 of 4 stars; one submission).

Conditions:
Charcot-Marie-tooth disease, axonal, type 2DD. Also called: CHARCOT-MARIE-TOOTH NEUROPATHY, TYPE 2DD. Identifiers: Orphanet 521414, MedGen C4747974, MONDO:0054833, OMIM 618036.
Hypomagnesemia, seizures, and impaired intellectual development 2. Also called: Hypomagnesemia, seizures, and intellectual disability 2. Identifiers: MedGen C5193023, MONDO:0020788, OMIM 618314.

Submission:

New York Genome Center
Classification: Uncertain significance for Hypomagnesemia, seizures, and impaired intellectual development 2; Charcot-Marie-tooth disease, axonal, type 2DD. Last evaluated: 2023-08-18. Review status: criteria provided, single submitter. Criteria: NYGC Assertion Criteria 2020. Collection method: clinical testing. Allele origin: inherited. Observed: 2 heterozygotes. Clinical features observed: Global developmental delay (HP:0001263), Delayed gross motor development (HP:0002194), Delayed fine motor development (HP:0010862), Hypotonia (HP:0001252).
Comment: The c.518G>A variant in ATP1A1 has not previously been reported in the literature or public variant repositories (ClinVar and LOVD), and is absent from population databases (gnomAD v2.1.1 and v3.1.2, TOPMed Freeze 8, All of Us), suggesting it is not a common benign variant in the populations represented in those databases. The c.518G>A variant is located in exon 6 of this 23-exon gene, and predicted to replace an evolutionarily conserved arginine amino acid with glutamine at position 173 within the E1-E2_ATPase domain (aa 163-354) in the encoded protein. In silico predictions are strongly in favor of damaging effect for the p.(Arg173Gln) variant [(CADD v1.6 = 33, REVEL = 0.904)] and in line with predictions for other variants reported in individuals with neurodevelopmental delay (PMID:35110381); however, there are no functional studies to support or refute these predictions. Based on available evidence this inherited inherited c.518G>A p.(Arg173Gln) variant identified in ATP1A1 is classified as a Variant of Uncertain Significance.

NM_000701.8(ATP1A1):c.518G>A (p.Arg173Gln)

Gene: ATP1A1 (ATPase Na+/K+ transporting subunit alpha 1; plus strand). Cytogenetic location: 1p13.1.
Variant type: single nucleotide variant.
Coding change: c.518G>A on transcript NM_000701.8 (MANE Select); coding-DNA position 518, G replaced by A.
Protein change: p.Arg173Gln; replaces arginine 173 with glutamine.
Molecular consequence: missense variant.
Genome position (GRCh38, 1-based): chr1:116,388,654, G>A. VCF-style: chr1-116388654-G-A. GRCh37 (hg19) VCF-style: chr1-116931276-G-A.
Other names: c.518G>A, p.Arg173Gln (NM_001160233.2); c.425G>A, p.Arg142Gln (NM_001160234.2); short protein forms R142Q, R173Q.
Identifiers: ClinVar variation 2665056 (VCV002665056.1), dbSNP rs2525829879, ClinGen allele CA341842453.